The following is an entry in ClinVar:

NM_001384140.1(PCDH15):c.2208_2211del (p.Gly737fs)

Gene: PCDH15 (protocadherin related 15; minus strand). Cytogenetic location: 10q21.1.
Variant type: Deletion.
Coding change: c.2208_2211del on transcript NM_001384140.1 (MANE Select); coding-DNA positions 2208 to 2211, 4 bases deleted (GGGT; older notation c.2208_2211delGGGT).
Protein change: p.Gly737fs; shifts the reading frame from glycine 737.
Molecular consequence: frameshift variant.
Genome position (GRCh38, 1-based): chr10:54,066,766-54,066,769, ACCC deleted on the plus strand (GGGT on the coding strand, the reverse complement: PCDH15 is on the minus strand); deleting any 4 consecutive bases within chr10:54,066,766-54,066,771 gives the same sequence; the c. name uses the placement nearest the transcript's 3' end. VCF-style (leftmost placement, unchanged base first): chr10-54066765-GACCC-G. GRCh37 (hg19) VCF-style: chr10-55826525-GACCC-G.
Other names: c.2223_2226del, p.Gly742fs (NM_001142763.2, NM_001142771.2); c.2208_2211del, p.Gly737fs (NM_001142764.2, NM_001142766.2, NM_001142770.3 and 5 more transcripts); c.1995_1998del, p.Gly666fs (NM_001142765.2); c.2097_2100del, p.Gly700fs (NM_001142767.2); c.2142_2145del, p.Gly715fs (NM_001142768.2, NM_001142773.2, NM_001354404.2); c.2242_2245delGTGG, p.Gly749Lysfs (NM_001142769.4); c.2229_2232del, p.Gly744fs (NM_001354411.2); short protein forms G666fs, G700fs, G715fs, G737fs, G742fs, G744fs, G749fs.
Identifiers: ClinVar variation 1725586 (VCV001725586.2), dbSNP rs2539766517, ClinGen allele CA2580081625.

ClinVar aggregate classification (germline): Likely pathogenic (1 of 4 stars; one submission).

Conditions:
Usher syndrome type 1D (USH1D). Also called: USHER SYNDROME, TYPE ID. Identifiers: Orphanet 231169, Orphanet 886, MedGen C1832845, MONDO:0010984, OMIM 601067.

Submission:

Myriad Genetics, Inc.
Classification: Likely pathogenic for Usher syndrome type 1D. Last evaluated: 2022-03-30. Review status: criteria provided, single submitter. Criteria: Myriad Women's Health Autosomal Recessive and X-Linked Classification Criteria (2021). Collection method: clinical testing. Allele origin: unknown.
Comment: NM_033056.3(PCDH15):c.2208_2211delGGGT(G737Kfs*2) is expected to be pathogenic in the context of PCDH15-related disorders. This variant is predicted to lead to an abnormal or absent protein product due to the creation of a premature termination codon in PCDH15, a gene where loss-of-function variants are known to be pathogenic. Please note: this variant was assessed in the context of healthy population screening.